The following is an entry in ClinVar:

NM_002180.3(IGHMBP2):c.1273C>T (p.Arg425Cys)

Gene: IGHMBP2 (immunoglobulin mu DNA binding protein 2; plus strand). Cytogenetic location: 11q13.3.
Variant type: single nucleotide variant.
Coding change: c.1273C>T on transcript NM_002180.3 (MANE Select); coding-DNA position 1273, C replaced by T.
Protein change: p.Arg425Cys; replaces arginine 425 with cysteine.
Molecular consequence: missense variant.
Genome position (GRCh38, 1-based): chr11:68,933,336, C>T. VCF-style: chr11-68933336-C-T. GRCh37 (hg19) VCF-style: chr11-68700804-C-T.
Other names: short protein forms R425C.
Identifiers: ClinVar variation 637695 (VCV000637695.23), dbSNP rs1303837541, ClinGen allele CA381648742.

ClinVar aggregate classification (germline): Pathogenic/Likely pathogenic. Review status: criteria provided, multiple submitters, no conflicts (2 of 4 stars). 9 submissions from 9 submitters: Pathogenic (3); Likely pathogenic (5). 1 of the submissions does not count toward it. Last evaluated 2026-03-10.

Conditions:
Charcot-Marie-Tooth disease axonal type 2S. Also called: CHARCOT-MARIE-TOOTH DISEASE, AXONAL, AUTOSOMAL RECESSIVE, TYPE 2S; CHARCOT-MARIE-TOOTH NEUROPATHY, TYPE 2S. Identifiers: Orphanet 443073, MedGen C4015349, MONDO:0014511, OMIM 616155.
Autosomal recessive distal spinal muscular atrophy 1. Also called: HMN VI; NEURONOPATHY, DISTAL HEREDITARY MOTOR, HARDING TYPE VI; NEUROPATHY, DISTAL HEREDITARY MOTOR, AUTOSOMAL RECESSIVE 1; NEURONOPATHY, SEVERE INFANTILE AXONAL, WITH RESPIRATORY FAILURE; SEVERE INFANTILE AXONAL NEUROPATHY WITH RESPIRATORY FAILURE; SPINAL MUSCULAR ATROPHY, DIAPHRAGMATIC. Identifiers: Orphanet 98920, MedGen C1858517, MONDO:0011436, OMIM 604320.
Charcot-Marie-Tooth disease. Also called: Charcot-Marie-Tooth Neuropathy; Charcot-Marie-Tooth Hereditary Neuropathy. Identifiers: Orphanet 166, MedGen C0007959, MONDO:0015626.

Allele frequency attached by ClinVar (database versions not stated): gnomAD exomes 0.00001; gnomAD 0.00002 and 0.00001; TOPMed 0.00002.
gnomAD v4.1: 23 of 1,613,194 alleles (0.0014%); highest among the groups gnomAD compares: East Asian, 0.0022%; no homozygotes.

Submissions (9):

Institute of Human Genetics, University of Leipzig Medical Center
Classification: Likely pathogenic for Autosomal recessive distal spinal muscular atrophy 1. Last evaluated: 2026-03-10. Review status: criteria provided, single submitter. Criteria: ACMG Guidelines, 2015. Collection method: clinical testing. Allele origin: paternal. Inheritance: Autosomal recessive inheritance. Affected: yes.
Comment: Criteria applied: PM2,PM3_STR,PM5,PP3

Labcorp Genetics (formerly Invitae), Labcorp
Classification: Pathogenic for Autosomal recessive distal spinal muscular atrophy 1; Charcot-Marie-Tooth disease axonal type 2S. Last evaluated: 2025-06-15. Review status: criteria provided, single submitter. Criteria: Invitae Variant Classification Sherloc (09022015). Collection method: clinical testing. Allele origin: germline.
Comment: This sequence change replaces arginine, which is basic and polar, with cysteine, which is neutral and slightly polar, at codon 425 of the IGHMBP2 protein (p.Arg425Cys). The frequency data for this variant in the population databases is considered unreliable, as metrics indicate poor data quality at this position in the gnomAD database. This missense change has been observed in individuals with clinical features of IGHMBP2-related conditions (PMID: 22791546, 30598237, 30863264, 32573669). ClinVar contains an entry for this variant (Variation ID: 637695). Invitae Evidence Modeling of protein sequence and biophysical properties (such as structural, functional, and spatial information, amino acid conservation, physicochemical variation, residue mobility, and thermodynamic stability) indicates that this missense variant is expected to disrupt IGHMBP2 protein function with a positive predictive value of 95%. This variant disrupts the p.Arg425 amino acid residue in IGHMBP2. Other variant(s) that disrupt this residue have been determined to be pathogenic (PMID: 33258288). This suggests that this residue is clinically significant, and that variants that disrupt this residue are likely to be disease-causing. For these reasons, this variant has been classified as Pathogenic.

First Genomix Gene Laboratory, Genetic Diagnostics Department
Classification: Likely pathogenic for Charcot-Marie-Tooth disease axonal type 2S; Autosomal recessive distal spinal muscular atrophy 1. Last evaluated: 2025-05-08. Review status: criteria provided, single submitter. Criteria: ACMG Guidelines, 2015. Collection method: clinical testing. Allele origin: germline. Inheritance: Autosomal recessive inheritance. Affected: no. Observed: 1 variant allele.

Women's Health and Genetics/Laboratory Corporation of America, LabCorp
Classification: Pathogenic for Autosomal recessive distal spinal muscular atrophy 1. Last evaluated: 2024-11-13. Review status: criteria provided, single submitter. Criteria: LabCorp Variant Classification Summary - May 2015. Collection method: clinical testing. Allele origin: germline.
Comment: Variant summary: IGHMBP2 c.1273C>T (p.Arg425Cys) results in a non-conservative amino acid change located in the Helicase superfamily 1/2, ATP-binding domain (IPR014001) of the encoded protein sequence. Five of five in-silico tools predict a damaging effect of the variant on protein function. The variant allele was found at a frequency of 8.1e-06 in 248090 control chromosomes. c.1273C>T has been reported in the literature in multiple individuals affected with Autosomal recessive distal spinal muscular atrophy 1 (Gitiaux_2013, Kim_2019, Viguier_2019, Lunke_2020, Clark_2019). These data indicate that the variant is very likely to be associated with disease. To our knowledge, no experimental evidence demonstrating an impact on protein function has been reported. The following publications have been ascertained in the context of this evaluation (PMID: 31019026, 22791546, 30863264, 32573669, 30598237). ClinVar contains an entry for this variant (Variation ID: 637695). Based on the evidence outlined above, the variant was classified as pathogenic.

Molecular Genetics Laboratory, London Health Sciences Centre
Classification: Likely pathogenic for Charcot-Marie-Tooth disease. Last evaluated: 2024-08-21. Review status: criteria provided, single submitter. Criteria: ACMG Guidelines, 2015. Collection method: clinical testing. Allele origin: germline. Inheritance: Autosomal recessive inheritance. Affected: yes.

Revvity Omics, Revvity
Classification: Likely pathogenic. Last evaluated: 2023-06-12. Review status: criteria provided, single submitter. Criteria: ACMG Guidelines, 2015. Collection method: clinical testing. Allele origin: germline.

Victorian Clinical Genetics Services, Murdoch Childrens Research Institute
Classification: Pathogenic for Autosomal recessive distal spinal muscular atrophy 1. Last evaluated: 2022-06-24. Review status: criteria provided, single submitter. Criteria: ACMG Guidelines, 2015. Collection method: clinical testing. Allele origin: germline. Inheritance: Autosomal recessive inheritance. Affected: yes.
Comment: Based on the classification scheme VCGS_Germline_v1.3.4, this variant is classified as Pathogenic. Following criteria are met: 0102 - Loss of function is a known mechanism of disease in this gene and is associated with Charcot-Marie-Tooth disease, axonal, type 2S (MIM#616155), and distal hereditary motor neuronopathy, type VI (MIM#604320). (I) 0106 - This gene is associated with autosomal recessive disease. (I) 0200 - Variant is predicted to result in a missense amino acid change from arginine to cysteine. (I) 0251 - This variant is heterozygous. (I) 0304 - Variant is present in gnomAD <0.01 for a recessive condition (v3: 3 heterozygotes, 0 homozygotes). (SP) 0309 - An alternative amino acid change at the same position has been observed in gnomAD (Highest allele count v2: 6 heterozygotes, 0 homozygotes). (I) 0501 - Missense variant consistently predicted to be damaging by multiple in silico tools or highly conserved with a major amino acid change. (SP) 0600 - Variant is located in the annotated 1A region of the DNA helicase domain (PMID: 30598237). (I) 0710 - Another missense variant comparable to the one identified in this case has inconclusive previous evidence for pathogenicity. p.(Arg425His) has been reported as a VUS (ClinVar). (I) 0801 - This variant has strong previous evidence of pathogenicity in unrelated individuals. This variant has been reported as a VUS, likely pathogenic and pathogenic (ClinVar). It has been observed in multiple compound heterozygous individuals and a single homozygous individual with spinal muscular atrophy and respiratory distress (PMID: 22791546, 30863264, 30598237, 28765793). (SP) 1201 - Heterozygous variant detected in trans with a second pathogenic heterozygous variant (NM_002180.2(IGHMBP2):c.1488C>A; p.(Cys496*)) in a recessive disease. (I) Legend: (SP) - Supporting pathogenic, (I) - Information, (SB) - Supporting benign

Rady Children's Institute for Genomic Medicine, Rady Children's Hospital San Diego
Classification: Likely pathogenic for SPINAL MUSCULAR ATROPHY, DISTAL, AUTOSOMAL RECESSIVE, 1. Last evaluated: 2017-12-19. Review status: criteria provided, single submitter. Criteria: ACMG Guidelines, 2015. Collection method: clinical testing. Allele origin: germline. Affected: yes. Observed: 1 variant allele.
Comment: This variant was previously reported in a compound heterozygous state in an infant with infantile spinal muscular atrophy with respiratory distress type 1 (PMID: 22791546). It is present in the heterozygous state in the gnomAD population database at a frequency of 0.0012% (3/246146). This variant has not been functionally characterized to our knowledge. However, multiple in silico analysis predict the variant to be damaging. Based on the combined evidence, the p.Gly260Arg variant is classified as likely pathogenic.

Inherited Neuropathy Consortium
Classification: Uncertain significance for Charcot-Marie-Tooth disease. Review status: flagged submission. Collection method: literature only. Allele origin: germline. Affected: yes. Not counted in ClinVar's aggregate classification.
ClinVar note: Reason: Outlier claim with insufficient supporting evidence

Literature cited by the submitters: PubMed 22791546 (cited by 5 submitters); PubMed 30598237 (cited by 4 submitters); PubMed 30863264 (cited by 4 submitters); PubMed 32573669 (cited by 3 submitters); PubMed 33258288 (cited by Labcorp Genetics (formerly Invitae), Labcorp and Molecular Genetics Laboratory, London Health Sciences Centre); PubMed 31019026 (cited by Women's Health and Genetics/Laboratory Corporation of America, LabCorp); PubMed 28765793 (cited by Molecular Genetics Laboratory, London Health Sciences Centre and Victorian Clinical Genetics Services, Murdoch Childrens Research Institute).